The following is an entry in ClinVar:

NM_005506.4(SCARB2):c.865G>C (p.Gly289Arg)

Gene: SCARB2 (scavenger receptor class B member 2; minus strand). Cytogenetic location: 4q21.1.
Variant type: single nucleotide variant.
Coding change: c.865G>C on transcript NM_005506.4 (MANE Select); coding-DNA position 865, G replaced by C.
Protein change: p.Gly289Arg; replaces glycine 289 with arginine.
Molecular consequence: missense variant.
Genome position (GRCh38, 1-based): chr4:76,174,273, C>G on the plus strand (G>C on the coding strand, the complement: SCARB2 is on the minus strand). VCF-style: chr4-76174273-C-G. GRCh37 (hg19) VCF-style: chr4-77095426-C-G.
Other names: c.436G>C, p.Gly146Arg (NM_001204255.2); short protein forms G146R, G289R.
Identifiers: ClinVar variation 4071663 (VCV004071663.1).

ClinVar aggregate classification (germline): Uncertain significance (1 of 4 stars; one submission).

Submission:

GeneDx
Classification: Uncertain significance. Last evaluated: 2025-01-22. Review status: criteria provided, single submitter. Criteria: GeneDx Variant Classification Process June 2021. Collection method: clinical testing. Allele origin: germline. Affected: yes.
Comment: Not observed at significant frequency in large population cohorts (gnomAD); In silico analysis supports that this missense variant has a deleterious effect on protein structure/function; Has not been previously published as pathogenic or benign to our knowledge